The following is an entry in ClinVar:

NM_015046.7(SETX):c.7105G>A (p.Ala2369Thr)

Gene: SETX (senataxin; minus strand). Cytogenetic location: 9q34.13.
Variant type: single nucleotide variant.
Coding change: c.7105G>A on transcript NM_015046.7 (MANE Select); coding-DNA position 7105, G replaced by A.
Protein change: p.Ala2369Thr; replaces alanine 2369 with threonine.
Molecular consequence: missense variant.
Genome position (GRCh38, 1-based): chr9:132,271,804, C>T on the plus strand (G>A on the coding strand, the complement: SETX is on the minus strand). VCF-style: chr9-132271804-C-T. GRCh37 (hg19) VCF-style: chr9-135147191-C-T.
Other names: c.7105G>A, p.Ala2369Thr (NM_001351527.2, NM_001351528.2); short protein forms A2369T.
Identifiers: ClinVar variation 3902894 (VCV003902894.1).
Genomic context (GRCh38, chr9:132,271,804, plus strand): 5'-ACGTAACAATAACACAATCCTTCTGCCGACCCTGGAATGCATCCACAGTGTCTACTTCTG[C>T]TGGTCTATTTACAAAAGAGAAACATATTTACTGGAAAAAGGAAGATAATTATTAAGTATA-3'
Protein context (NP_055861.3, residues 2359-2379): LDKEFDRKGP[Ala2369Thr]EVDTVDAFQG

ClinVar aggregate classification (germline): Uncertain significance (1 of 4 stars; one submission).

gnomAD v4.1: 2 of 1,612,598 alleles (0.00012%); no homozygotes.

Submission:

GeneDx
Classification: Uncertain significance. Last evaluated: 2024-12-10. Review status: criteria provided, single submitter. Criteria: GeneDx Variant Classification Process June 2021. Collection method: clinical testing. Allele origin: germline. Affected: yes.
Comment: Not observed at significant frequency in large population cohorts (gnomAD); In silico analysis indicates that this missense variant does not alter protein structure/function; Has not been previously published as pathogenic or benign to our knowledge